The following is an entry in ClinVar:

ClinVar aggregate classification (germline): Likely pathogenic (1 of 4 stars; one submission).

Allele frequency attached by ClinVar (database versions not stated): gnomAD exomes 0.00001 and 0.00002; ExAC 0.00002; gnomAD 0.00004 and 0.00005; TOPMed 0.00005; ESP Exome Variant Server 0.00008.
gnomAD v4.1: 15 of 1,613,622 alleles (0.00093%); highest among the groups gnomAD compares: Middle Eastern, 0.049%; no homozygotes.

Submission:

Labcorp Genetics (formerly Invitae), Labcorp
Classification: Likely pathogenic. Last evaluated: 2022-10-18. Review status: criteria provided, single submitter. Criteria: Invitae Variant Classification Sherloc (09022015). Collection method: clinical testing. Allele origin: germline.
Comment: In summary, the currently available evidence indicates that the variant is pathogenic, but additional data are needed to prove that conclusively. Therefore, this variant has been classified as Likely Pathogenic. Experimental studies and prediction algorithms are not available or were not evaluated, and the effect of this variant on mRNA splicing is currently unknown. ClinVar contains an entry for this variant (Variation ID: 1519335). This variant has not been reported in the literature in individuals affected with ARMC9-related conditions. This variant is present in population databases (rs375762122, gnomAD 0.02%). This sequence change affects an acceptor splice site in intron 5 of the ARMC9 gene. It is expected to disrupt RNA splicing. Variants that disrupt the donor or acceptor splice site typically lead to a loss of protein function (PMID: 16199547), and loss-of-function variants in ARMC9 are known to be pathogenic (PMID: 28625504).

Literature cited by the submitters: PubMed 16199547; PubMed 28625504.

NM_001352754.2(ARMC9):c.598-2A>G

Gene: ARMC9 (armadillo repeat containing 9; plus strand). Cytogenetic location: 2q37.1.
Variant type: single nucleotide variant.
Coding change: c.598-2A>G on transcript NM_001352754.2 (MANE Select); the canonical splice acceptor site of the intron before coding-DNA position 598, A replaced by G.
Molecular consequence: splice acceptor variant.
Genome position (GRCh38, 1-based): chr2:231,226,772, A>G. VCF-style: chr2-231226772-A-G. GRCh37 (hg19) VCF-style: chr2-232091485-A-G.
Other names: c.598-2A>G (NM_001271466.4, NM_001352755.2, NM_001352756.2 and 5 more transcripts).
Identifiers: ClinVar variation 1519335 (VCV001519335.8), dbSNP rs375762122, ClinGen allele CA2159992.
Genomic context (GRCh38, chr2:231,226,772, plus strand): 5'-GTCCGATACCCCAAGTACCGTTCCCTGAATGCCTGTTTTCCTGAACTTCTTTTTCATCCC[A>G]GAAGGAGAATGGACAAAGTAACAAAGGTAAATCATCTAGATTTAAATTTGTCTAAGAACA-3'